The following is an entry in ClinVar:

NM_138711.6(PPARG):c.675G>A (p.Pro225=)

Genes: PPARG (peroxisome proliferator activated receptor gamma; plus strand), LOC114803475 (PPARG eExon liver enhancer; plus strand). Cytogenetic location: 3p25.2.
Variant type: single nucleotide variant.
Coding change: c.675G>A on transcript NM_138711.6 (MANE Select); coding-DNA position 675, G replaced by A.
Protein change: p.Pro225=; no amino-acid change (proline 225 retained).
Molecular consequence: synonymous variant. On other transcripts: intron variant (2).
Genome position (GRCh38, 1-based): chr3:12,406,027, G>A. VCF-style: chr3-12406027-G-A. GRCh37 (hg19) VCF-style: chr3-12447526-G-A.
Other names: c.675G>A, p.Pro225= (NM_001330615.4, NM_001354666.3, NM_001354667.3 and 6 more transcripts); c.765G>A, p.Pro255= (NM_001354668.2, NM_001374265.1, NM_015869.5); c.681G>A, p.Pro227= (NM_001354670.2); c.103-10677G>A (NM_001354669.2); c.653+28G>A (NM_001374266.1); c.765G>A (NM_015869.4).
Identifiers: ClinVar variation 1555861 (VCV001555861.10), dbSNP rs748317593, ClinGen allele CA2258238.

ClinVar aggregate classification (germline): Likely benign. Review status: criteria provided, single submitter (1 of 4 stars). 2 submissions from 2 submitters: Likely benign (1). 1 of the submissions does not count toward it. Last evaluated 2025-06-10.

Conditions:
PPARG-related disorder. Also called: PPARG-related disorders; PPARG-related condition.

Allele frequency attached by ClinVar (database versions not stated): ExAC 0.00002; gnomAD 0.00002; TOPMed 0.00004; gnomAD exomes 0.00007.
gnomAD v4.1: 30 of 1,613,992 alleles (0.0019%); highest among the groups gnomAD compares: Admixed American, 0.02%; no homozygotes.

Submissions (2):

Labcorp Genetics (formerly Invitae), Labcorp
Classification: Likely benign. Last evaluated: 2025-06-10. Review status: criteria provided, single submitter. Criteria: Invitae Variant Classification Sherloc (09022015). Collection method: clinical testing. Allele origin: germline.

PreventionGenetics, part of Exact Sciences
Classification: Likely benign for PPARG-related condition. Last evaluated: 2021-06-08. Review status: no assertion criteria provided. Collection method: clinical testing. Allele origin: germline. Not counted in ClinVar's aggregate classification.
Comment: This variant is classified as likely benign based on ACMG/AMP sequence variant interpretation guidelines (Richards et al. 2015 PMID: 25741868, with internal and published modifications).